The following is an entry in ClinVar:

NM_003334.4(UBA1):c.1156C>T (p.Leu386=)

Gene: UBA1 (ubiquitin like modifier activating enzyme 1; plus strand). Cytogenetic location: Xp11.3.
Variant type: single nucleotide variant.
Coding change: c.1156C>T on transcript NM_003334.4 (MANE Select); coding-DNA position 1156, C replaced by T.
Protein change: p.Leu386=; no amino-acid change (leucine 386 retained).
Molecular consequence: synonymous variant.
Genome position (GRCh38, 1-based): chrX:47,202,737, C>T. VCF-style: chrX-47202737-C-T. GRCh37 (hg19) VCF-style: chrX-47062136-C-T.
Other names: c.1156C>T (NM_003334.3); c.1156C>T, p.Leu386= (NM_153280.3).
Identifiers: ClinVar variation 1575494 (VCV001575494.11), dbSNP rs782722368, ClinGen allele CA10395855.
Genomic context (GRCh38, chrX:47,202,737, plus strand): 5'-AATGCTCGAGCCCTGCCAGCAGTGCAGCAAAATAACCTGGACGAGGACCTCATCCGGAAG[C>T]TGGCATATGTGGCTGCTGGGGATCTGGCACCCATAAACGCCTTCATTGGGGGCCTGGCTG-3'
Protein context (NP_003325.2, residues 376-396): NNLDEDLIRK[Leu386=]AYVAAGDLAP

ClinVar aggregate classification (germline): Likely benign. Review status: criteria provided, multiple submitters, no conflicts (2 of 4 stars). 3 submissions from 3 submitters: Likely benign (2). 1 of the submissions does not count toward it. Last evaluated 2024-06-26.

Conditions:
UBA1-related disorder. Also called: UBA1-related condition.
Infantile-onset X-linked spinal muscular atrophy. Also called: SPINAL MUSCULAR ATROPHY, X-LINKED LETHAL INFANTILE; Spinal muscular atrophy, X-linked 2; AMC, DISTAL, X-LINKED; ARTHROGRYPOSIS, X-LINKED, TYPE I; Spinal Muscular Atrophy, X-Linked Infantile. Identifiers: Orphanet 1145, MedGen C1844934, MONDO:0010532, OMIM 301830.

Allele frequency attached by ClinVar (database versions not stated): gnomAD exomes 0.00002 and 0.00003; ExAC 0.00003; gnomAD 0.00007 and 0.00008; TOPMed 0.00008.
gnomAD v4.1: 27 of 1,209,842 alleles (0.0022%); highest among the groups gnomAD compares: African/African-American, 0.021%; no homozygotes.

Submissions (3):

Labcorp Genetics (formerly Invitae), Labcorp
Classification: Likely benign for Infantile-onset X-linked spinal muscular atrophy. Last evaluated: 2024-06-26. Review status: criteria provided, single submitter. Criteria: Invitae Variant Classification Sherloc (09022015). Collection method: clinical testing. Allele origin: germline.

Blueprint Genetics
Classification: Likely benign. Last evaluated: 2022-09-20. Review status: criteria provided, single submitter. Criteria: ACMG Guidelines, 2015. Collection method: clinical testing. Allele origin: germline.

PreventionGenetics, part of Exact Sciences
Classification: Likely benign for UBA1-related condition. Last evaluated: 2019-02-18. Review status: no assertion criteria provided. Collection method: clinical testing. Allele origin: germline. Not counted in ClinVar's aggregate classification.
Comment: This variant is classified as likely benign based on ACMG/AMP sequence variant interpretation guidelines (Richards et al. 2015 PMID: 25741868, with internal and published modifications).